The following is an entry in ClinVar:

NM_001110556.2(FLNA):c.5510C>T (p.Ala1837Val)

Gene: FLNA (filamin A; minus strand). Cytogenetic location: Xq28.
Variant type: single nucleotide variant.
Coding change: c.5510C>T on transcript NM_001110556.2 (MANE Select); coding-DNA position 5510, C replaced by T.
Protein change: p.Ala1837Val; replaces alanine 1837 with valine.
Molecular consequence: missense variant.
Genome position (GRCh38, 1-based): chrX:154,354,198, G>A on the plus strand (C>T on the coding strand, the complement: FLNA is on the minus strand). VCF-style: chrX-154354198-G-A. GRCh37 (hg19) VCF-style: chrX-153582566-G-A.
Other names: c.5486C>T, p.Ala1829Val (NM_001456.4); short protein forms A1829V, A1837V.
Identifiers: ClinVar variation 1370516 (VCV001370516.6), dbSNP rs2148106499, ClinGen allele CA415203971.

ClinVar aggregate classification (germline): Uncertain significance (1 of 4 stars; one submission).

Conditions:
Heterotopia, periventricular, X-linked dominant (PVNH1). Also called: PERIVENTRICULAR NODULAR HETEROTOPIA 4; HETEROTOPIA, PERIVENTRICULAR, 1; PERIVENTRICULAR NODULAR HETEROTOPIA 1; X-linked periventricular heterotopia. Identifiers: Orphanet 2149, Orphanet 82004, MedGen C1848213, MONDO:0010233, OMIM 300049.
Melnick-Needles syndrome (MNS). Also called: MELNICK-NEEDLES OSTEODYSPLASTY; OSTEODYSPLASTY OF MELNICK AND NEEDLES; Melnick-Needles Syndrome (FLNA-MNS). Identifiers: Orphanet 2484, MedGen C0025237, MONDO:0010650, OMIM 309350.
Frontometaphyseal dysplasia (FMD1). Identifiers: Orphanet 1826, MedGen C0265293, MONDO:0015942.
Oto-palato-digital syndrome, type II (OPD2). Also called: FACIOPALATOOSSEOUS SYNDROME; OPD II SYNDROME; Otopalatodigital Syndrome, Type II; Otopalatodigital Syndrome Type 2 (FLNA-OPD2). Identifiers: Orphanet 669, Orphanet 90652, MedGen C1844696, MONDO:0010571, OMIM 304120.

Submission:

Labcorp Genetics (formerly Invitae), Labcorp
Classification: Uncertain significance for Oto-palato-digital syndrome, type II; Heterotopia, periventricular, X-linked dominant; Frontometaphyseal dysplasia; Melnick-Needles syndrome. Last evaluated: 2022-02-24. Review status: criteria provided, single submitter. Criteria: Invitae Variant Classification Sherloc (09022015). Collection method: clinical testing. Allele origin: germline.
Comment: Algorithms developed to predict the effect of sequence changes on RNA splicing suggest that this variant may create or strengthen a splice site. In summary, the available evidence is currently insufficient to determine the role of this variant in disease. Therefore, it has been classified as a Variant of Uncertain Significance. Advanced modeling of protein sequence and biophysical properties (such as structural, functional, and spatial information, amino acid conservation, physicochemical variation, residue mobility, and thermodynamic stability) performed at Invitae indicates that this missense variant is not expected to disrupt FLNA protein function. This variant has not been reported in the literature in individuals affected with FLNA-related conditions. This variant is not present in population databases (gnomAD no frequency). This sequence change replaces alanine, which is neutral and non-polar, with valine, which is neutral and non-polar, at codon 1829 of the FLNA protein (p.Ala1829Val).